The following is an entry in ClinVar:

NM_000179.3(MSH6):c.2025G>T (p.Glu675Asp)

Gene: MSH6 (mutS homolog 6; plus strand). Cytogenetic location: 2p16.3.
Variant type: single nucleotide variant.
Coding change: c.2025G>T on transcript NM_000179.3 (MANE Select); coding-DNA position 2025, G replaced by T.
Protein change: p.Glu675Asp; replaces glutamic acid 675 with aspartic acid.
Molecular consequence: missense variant.
Genome position (GRCh38, 1-based): chr2:47,800,008, G>T. VCF-style: chr2-47800008-G-T. GRCh37 (hg19) VCF-style: chr2-48027147-G-T.
Other names: c.1635G>T, p.Glu545Asp (NM_001281492.2); c.1119G>T, p.Glu373Asp (NM_001281493.2, NM_001281494.2, NM_001406811.1 and 6 more transcripts); c.2121G>T, p.Glu707Asp (NM_001406795.1, NM_001406802.1); c.2025G>T, p.Glu675Asp (NM_001406796.1, NM_001406798.1, NM_001406800.1 and 3 more transcripts); c.1728G>T, p.Glu576Asp (NM_001406797.1, NM_001406801.1, NM_001406805.1 and 10 more transcripts); c.1500G>T, p.Glu500Asp (NM_001406799.1, NM_001406806.1, NM_001406807.1); c.1947G>T, p.Glu649Asp (NM_001406804.1); c.2031G>T, p.Glu677Asp (NM_001406813.1); and 1 more; short protein forms E500D, E576D, E619D, E545D, E649D, E707D, E675D, E677D.
Identifiers: ClinVar variation 1784644 (VCV001784644.2), dbSNP rs587779223, ClinGen allele CA346750709.

ClinVar aggregate classification (germline): Uncertain significance (1 of 4 stars; one submission).

Conditions:
Hereditary cancer-predisposing syndrome. Also called: Neoplastic Syndromes, Hereditary; Tumor predisposition; Hereditary Cancer Syndrome; Hereditary neoplastic syndrome. Identifiers: Orphanet 140162, MedGen C0027672, MeSH D009386, MONDO:0015356.

Submission:

Ambry Genetics
Classification: Uncertain significance for Hereditary cancer-predisposing syndrome. Last evaluated: 2021-12-07. Review status: criteria provided, single submitter. Criteria: Ambry Variant Classification Scheme 2023. Collection method: clinical testing. Allele origin: germline.
Comment: The p.E675D variant (also known as c.2025G>T), located in coding exon 4 of the MSH6 gene, results from a G to T substitution at nucleotide position 2025. The glutamic acid at codon 675 is replaced by aspartic acid, an amino acid with highly similar properties. This amino acid position is well conserved in available vertebrate species. In addition, this alteration is predicted to be tolerated by in silico analysis. Since supporting evidence is limited at this time, the clinical significance of this alteration remains unclear.